The following is an entry in ClinVar:

NM_004370.6(COL12A1):c.668T>C (p.Ile223Thr)

Gene: COL12A1 (collagen type XII alpha 1 chain; minus strand). Cytogenetic location: 6q13.
Variant type: single nucleotide variant.
Coding change: c.668T>C on transcript NM_004370.6 (MANE Select); coding-DNA position 668, T replaced by C.
Protein change: p.Ile223Thr; replaces isoleucine 223 with threonine.
Molecular consequence: missense variant. On other transcripts: intron variant (2).
Genome position (GRCh38, 1-based): chr6:75,189,372, A>G on the plus strand (T>C on the coding strand, the complement: COL12A1 is on the minus strand). VCF-style: chr6-75189372-A-G. GRCh37 (hg19) VCF-style: chr6-75899088-A-G.
Other names: c.668T>C, p.Ile223Thr (NM_001424113.1, NM_001424114.1, NM_001424115.1); c.73+13348T>C (NM_001424116.1, NM_080645.3); short protein forms I223T.
Identifiers: ClinVar variation 4788675 (VCV004788675.1).

ClinVar aggregate classification (germline): Uncertain significance (1 of 4 stars; one submission).

Conditions:
Ullrich congenital muscular dystrophy 2 (UCMD2). Identifiers: Orphanet 75840, MedGen C4225314, MONDO:0014654, OMIM 616470.
Bethlem myopathy 2 (BTHLM2). Identifiers: Orphanet 536516, Orphanet 610, MedGen C4225313, MONDO:0034022, OMIM 616471.

Submission:

Labcorp Genetics (formerly Invitae), Labcorp
Classification: Uncertain significance for Bethlem myopathy 2; Ullrich congenital muscular dystrophy 2. Last evaluated: 2025-08-18. Review status: criteria provided, single submitter. Criteria: Invitae Variant Classification Sherloc (09022015). Collection method: clinical testing. Allele origin: germline.
Comment: This sequence change replaces isoleucine, which is neutral and non-polar, with threonine, which is neutral and polar, at codon 223 of the COL12A1 protein (p.Ile223Thr). This variant is not present in population databases (gnomAD no frequency). This variant has not been reported in the literature in individuals affected with COL12A1-related conditions. Invitae Evidence Modeling of protein sequence and biophysical properties (such as structural, functional, and spatial information, amino acid conservation, physicochemical variation, residue mobility, and thermodynamic stability) has been performed for this missense variant. However, the output from this modeling did not meet the statistical confidence thresholds required to predict the impact of this variant on COL12A1 protein function. In summary, the available evidence is currently insufficient to determine the role of this variant in disease. Therefore, it has been classified as a Variant of Uncertain Significance.